The following is an entry in ClinVar:

ClinVar aggregate classification (germline): Uncertain significance. Review status: criteria provided, multiple submitters, no conflicts (2 of 4 stars). 2 submissions from 2 submitters: Uncertain significance (2). Last evaluated 2026-03-09.

Conditions:
Inborn genetic diseases. Identifiers: MedGen C0950123, MeSH D030342.

Allele frequency attached by ClinVar (database versions not stated): gnomAD exomes 0.00001.

Submissions (2):

Ambry Genetics
Classification: Uncertain significance for Inborn genetic diseases. Last evaluated: 2026-03-09. Review status: criteria provided, single submitter. Criteria: Ambry Variant Classification Scheme 2023. Collection method: clinical testing. Allele origin: germline.

GeneDx
Classification: Uncertain significance. Last evaluated: 2017-04-13. Review status: criteria provided, single submitter. Criteria: GeneDx Variant Classification (06012015). Collection method: clinical testing. Allele origin: germline. Affected: yes.
Comment: The S247N variant in the OTX2 gene has not been reported previously as a pathogenic variant, nor as a benign variant, to our knowledge. The S247N variant is not observed in large population cohorts (Lek et al., 2016; 1000 Genomes Consortium et al., 2015; Exome Variant Server). The S247N variant is a conservative amino acid substitution, which is not likely to impact secondary protein structure as these residues share similar properties. This substitution occurs at a position that is conserved in mammals. In silico analysis is inconsistent in its predictions as to whether or not the variant is damaging to the protein structure/function. We interpret S247N as a variant of uncertain significance,.

NM_021728.4(OTX2):c.764G>A (p.Ser255Asn)

Gene: OTX2 (orthodenticle homeobox 2; minus strand). Cytogenetic location: 14q22.3.
Variant type: single nucleotide variant.
Coding change: c.764G>A on transcript NM_021728.4 (MANE Select); coding-DNA position 764, G replaced by A.
Protein change: p.Ser255Asn; replaces serine 255 with asparagine.
Molecular consequence: missense variant. On other transcripts: non-coding transcript variant (2).
Genome position (GRCh38, 1-based): chr14:56,801,865, C>T on the plus strand (G>A on the coding strand, the complement: OTX2 is on the minus strand). VCF-style: chr14-56801865-C-T. GRCh37 (hg19) VCF-style: chr14-57268583-C-T.
Other names: c.740G>A, p.Ser247Asn (NM_001270523.2, NM_001270524.2, NM_172337.3); c.764G>A, p.Ser255Asn (NM_001270525.2); c.740G>A (NM_172337.1); short protein forms S247N, S255N.
Identifiers: ClinVar variation 426512 (VCV000426512.3), dbSNP rs781096873, ClinGen allele CA261910268.
Genomic context (GRCh38, chr14:56,801,865, plus strand): 5'-TTCCAGGAGGCAGTTTGGTCCTTATAATCCAAGCAATCAGTGGTTGAGTTAAAACCCAAG[C>T]TTGAAGCTCCATATCCCTGGGTGGAAAGAGAAGCTGGGGACTGATTGAGATGGCTGGTGA-3'
Protein context (NP_068374.1, residues 245-265): SLSTQGYGAS[Ser255Asn]LGFNSTTDCL